The following is an entry in ClinVar:

ClinVar aggregate classification (germline): Uncertain significance. Review status: criteria provided, multiple submitters, no conflicts (2 of 4 stars). 2 submissions from 2 submitters: Uncertain significance (2). Last evaluated 2025-09-03.

Allele frequency attached by ClinVar (database versions not stated): TOPMed below 0.00001; ExAC 0.00001; gnomAD 0.00001.

Submissions (2):

Mayo Clinic Laboratories, Mayo Clinic
Classification: Uncertain significance. Last evaluated: 2025-09-03. Review status: criteria provided, single submitter. Criteria: ACMG Guidelines, 2015. Collection method: clinical testing. Allele origin: germline. Observed: 1 variant allele.
Comment: BP4, PM2_supporting

Labcorp Genetics (formerly Invitae), Labcorp
Classification: Uncertain significance. Last evaluated: 2023-06-16. Review status: criteria provided, single submitter. Criteria: Invitae Variant Classification Sherloc (09022015). Collection method: clinical testing. Allele origin: germline.
Comment: In summary, the available evidence is currently insufficient to determine the role of this variant in disease. Therefore, it has been classified as a Variant of Uncertain Significance. This sequence change replaces methionine, which is neutral and non-polar, with leucine, which is neutral and non-polar, at codon 550 of the PNPLA8 protein (p.Met550Leu). This variant is present in population databases (rs758953540, gnomAD 0.0009%). This variant has not been reported in the literature in individuals affected with PNPLA8-related conditions. An algorithm developed to predict the effect of missense changes on protein structure and function (PolyPhen-2) suggests that this variant is likely to be tolerated.

NM_001256007.3(PNPLA8):c.1648A>C (p.Met550Leu)

Gene: PNPLA8 (patatin like domain 8, phospholipase A2; minus strand). Cytogenetic location: 7q31.1.
Variant type: single nucleotide variant.
Coding change: c.1648A>C on transcript NM_001256007.3 (MANE Select); coding-DNA position 1648, A replaced by C.
Protein change: p.Met550Leu; replaces methionine 550 with leucine.
Molecular consequence: missense variant.
Genome position (GRCh38, 1-based): chr7:108,491,445, T>G on the plus strand (A>C on the coding strand, the complement: PNPLA8 is on the minus strand). VCF-style: chr7-108491445-T-G. GRCh37 (hg19) VCF-style: chr7-108131889-T-G.
Other names: p.Met550Leu; c.1648A>C, p.Met550Leu (NM_001256008.3, NM_001256009.3, NM_015723.5); c.1348A>C, p.Met450Leu (NM_001256010.3, NM_001256011.3); short protein forms M450L, M550L.
Identifiers: ClinVar variation 2913245 (VCV002913245.4), dbSNP rs758953540, ClinGen allele CA4439508.